The following is an entry in ClinVar:

ClinVar aggregate classification (germline): Uncertain significance. Review status: criteria provided, multiple submitters, no conflicts (2 of 4 stars). 2 submissions from 2 submitters: Uncertain significance (2). Last evaluated 2022-10-01.

Conditions:
Inborn genetic diseases. Identifiers: MedGen C0950123, MeSH D030342.

Allele frequency attached by ClinVar (database versions not stated): TOPMed 0.00001; gnomAD exomes 0.00010; ExAC 0.00018.
gnomAD v4.1: 186 of 1,614,056 alleles (0.012%); highest among the groups gnomAD compares: Non-Finnish European, 0.001%; no homozygotes.

Submissions (2):

CeGaT Center for Human Genetics Tuebingen
Classification: Uncertain significance. Last evaluated: 2022-10-01. Review status: criteria provided, single submitter. Criteria: CeGaT Center For Human Genetics Tuebingen Variant Classification Criteria Version 2. Collection method: clinical testing. Allele origin: germline. Affected: yes. Observed: 1 variant allele.
Comment: ACD: PM2, BP4

Ambry Genetics
Classification: Uncertain significance for Inborn genetic diseases. Last evaluated: 2021-07-24. Review status: criteria provided, single submitter. Criteria: Ambry Variant Classification Scheme 2023. Collection method: clinical testing. Allele origin: germline.
Comment: The p.M525T variant (also known as c.1574T>C), located in coding exon 12 of the ACD gene, results from a T to C substitution at nucleotide position 1574. The methionine at codon 525 is replaced by threonine, an amino acid with similar properties. This amino acid position is conserved. In addition, this alteration is predicted to be tolerated by in silico analysis. Since supporting evidence is limited at this time, the clinical significance of this alteration remains unclear.

NM_001082486.2(ACD):c.1316T>C (p.Met439Thr)

Gene: ACD (ACD shelterin complex subunit and telomerase recruitment factor; minus strand). Cytogenetic location: 16q22.1.
Variant type: single nucleotide variant.
Coding change: c.1316T>C on transcript NM_001082486.2 (MANE Select); coding-DNA position 1316, T replaced by C.
Protein change: p.Met439Thr; replaces methionine 439 with threonine.
Molecular consequence: missense variant.
Genome position (GRCh38, 1-based): chr16:67,657,667, A>G on the plus strand (T>C on the coding strand, the complement: ACD is on the minus strand). VCF-style: chr16-67657667-A-G. GRCh37 (hg19) VCF-style: chr16-67691570-A-G.
Other names: c.1229T>C, p.Met410Thr (NM_001410884.1); c.1307T>C, p.Met436Thr (NM_022914.3); short protein forms M436T, M439T, M410T.
Identifiers: ClinVar variation 1775560 (VCV001775560.26), dbSNP rs202222217, ClinGen allele CA8114364.